The following is an entry in ClinVar:

NM_002528.7(NTHL1):c.106G>T (p.Ala36Ser)

Gene: NTHL1 (nth like DNA glycosylase 1; minus strand). Cytogenetic location: 16p13.3.
Variant type: single nucleotide variant.
Coding change: c.106G>T on transcript NM_002528.7 (MANE Select); coding-DNA position 106, G replaced by T.
Protein change: p.Ala36Ser; replaces alanine 36 with serine.
Molecular consequence: missense variant. On other transcripts: 5 prime UTR variant (1).
Genome position (GRCh38, 1-based): chr16:2,047,718, C>A on the plus strand (G>T on the coding strand, the complement: NTHL1 is on the minus strand). VCF-style: chr16-2047718-C-A. GRCh37 (hg19) VCF-style: chr16-2097719-C-A.
Other names: c.106G>T, p.Ala36Ser (NM_001318193.2); c.-73G>T (NM_001318194.2); short protein forms A36S.
Identifiers: ClinVar variation 1692687 (VCV001692687.1), dbSNP rs2150957402, ClinGen allele CA394298252.

ClinVar aggregate classification (germline): Uncertain significance (1 of 4 stars; one submission).

Conditions:
Hereditary cancer-predisposing syndrome. Also called: Hereditary Cancer Syndrome; Hereditary neoplastic syndrome; Neoplastic Syndromes, Hereditary; Tumor predisposition. Identifiers: Orphanet 140162, MedGen C0027672, MeSH D009386, MONDO:0015356.

Submission:

Sema4
Classification: Uncertain significance for Hereditary cancer-predisposing syndrome. Last evaluated: 2021-08-03. Review status: criteria provided, single submitter. Criteria: Sema4 Curation Guidelines. Collection method: curation. Allele origin: germline.
Comment: The NTHL1 c.130G>T (p.A44S) variant has not been reported in the literature to our knowledge. It was not observed in the large and broad cohorts of the Genome Aggregation Database, nor has it been reported in ClinVar. In silico tools suggest the impact of the variant on protein function is benign, though these predictions have not been confirmed by functional studies. The evidence is insufficient to meet ACMG/AMP criteria for classifying the variant as benign or pathogenic. Thus, the clinical significance of this variant is currently uncertain.